The following is an entry in ClinVar:

NC_000002.11:g.(?_211503854)_(211503959_?)del

Gene: CPS1 (carbamoyl-phosphate synthase 1; plus strand). Cytogenetic location: 2q34.
Variant type: Deletion.
Identifiers: ClinVar variation 2424286 (VCV002424286.3).

ClinVar aggregate classification (germline): Uncertain significance (1 of 4 stars; one submission).

Conditions:
Congenital hyperammonemia, type I. Also called: Carbamoyl-phosphate synthase I deficiency; CPS I DEFICIENCY; Carbamoyl phosphate synthetase I deficiency disease; Carbamoyl phosphate synthetase 1 deficiency; Hyperammonemia due to carbamoyl phosphate synthetase 1 deficiency; CPS 1 deficiency. Identifiers: Orphanet 147, MedGen C4082171, MONDO:0009376, OMIM 237300.

Submission:

Labcorp Genetics (formerly Invitae), Labcorp
Classification: Uncertain significance for Congenital hyperammonemia, type I. Last evaluated: 2022-09-23. Review status: criteria provided, single submitter. Criteria: Invitae Variant Classification Sherloc (09022015). Collection method: clinical testing. Allele origin: germline.
Comment: This variant is a gross deletion of the genomic region encompassing exon(s) 23 of the CPS1 gene. This variant would be expected to be in-frame, preserving the integrity of the reading frame. A similar copy number variant has been observed in individual(s) with clinical features of carbamoyl phosphate synthetase I deficiency (Invitae). Experimental studies and prediction algorithms are not available or were not evaluated, and the functional significance of this variant is currently unknown. This variant disrupts a region of the CPS1 protein in which other variant(s) (p.Tyr959Cys) have been observed in individuals with CPS1-related conditions (PMID: 24813853, 33611823). This suggests that this is a clinically significant region of the protein, and that variants that disrupt it are likely to be disease-causing. In summary, the available evidence is currently insufficient to determine the role of this variant in disease. Therefore, it has been classified as a Variant of Uncertain Significance.

Literature cited by the submitters: PubMed 24813853; PubMed 33611823.